The following is an entry in ClinVar:

ClinVar aggregate classification (germline): Uncertain significance (1 of 4 stars; one submission).

Conditions:
Malignant hyperthermia, susceptibility to, 1 (MHS1). Also called: RYR1-Related Malignant Hyperthermia Susceptibility; Malignant hyperthermia suceptibility 1; Anesthesia related hyperthermia; Malignant hyperpyrexia; Fulminating hyperpyrexia; Pharmacogenic myopathy. Identifiers: Orphanet 423, MedGen C2930980, MONDO:0007783, OMIM 145600.

gnomAD v4.1: 1 of 1,612,848 alleles (0.000062%); highest among the groups gnomAD compares: South Asian, 0.0011%; no homozygotes.

Submission:

Color Diagnostics, LLC DBA Color Health
Classification: Uncertain significance for Malignant hyperthermia, susceptibility to, 1. Last evaluated: 2025-06-23. Review status: criteria provided, single submitter. Criteria: ACMG Guidelines, 2015. Collection method: clinical testing. Allele origin: germline.
Comment: This missense variant replaces valine with leucine at codon 89 of the RYR1 protein. Computational prediction suggests that this variant may not impact protein structure and function. To our knowledge, functional studies have not been reported for this variant. This variant has not been reported in individuals affected with RYR1-related disorders in the literature. This variant has not been identified in the general population by the Genome Aggregation Database (gnomAD). The available evidence is insufficient to determine the role of this variant in disease conclusively. Therefore, this variant is classified as a Variant of Uncertain Significance.

NM_000540.3(RYR1):c.265G>T (p.Val89Leu)

Gene: RYR1 (ryanodine receptor 1; plus strand). Cytogenetic location: 19q13.2.
Variant type: single nucleotide variant.
Coding change: c.265G>T on transcript NM_000540.3 (MANE Select); coding-DNA position 265, G replaced by T.
Protein change: p.Val89Leu; replaces valine 89 with leucine.
Molecular consequence: missense variant.
Genome position (GRCh38, 1-based): chr19:38,442,448, G>T. VCF-style: chr19-38442448-G-T. GRCh37 (hg19) VCF-style: chr19-38933088-G-T.
Other names: c.265G>T, p.Val89Leu (NM_001042723.2); short protein forms V89L.
Identifiers: ClinVar variation 4756924 (VCV004756924.1).